The following is an entry in ClinVar:

NM_033305.3(VPS13A):c.7201G>A (p.Val2401Ile)

Gene: VPS13A (vacuolar protein sorting 13 homolog A; plus strand). Cytogenetic location: 9q21.2.
Variant type: single nucleotide variant.
Coding change: c.7201G>A on transcript NM_033305.3 (MANE Select); coding-DNA position 7201, G replaced by A.
Protein change: p.Val2401Ile; replaces valine 2401 with isoleucine.
Molecular consequence: missense variant.
Genome position (GRCh38, 1-based): chr9:77,345,054, G>A. VCF-style: chr9-77345054-G-A. GRCh37 (hg19) VCF-style: chr9-79959970-G-A.
Other names: c.7084G>A, p.Val2362Ile (NM_001018037.2); c.7201G>A, p.Val2401Ile (NM_001018038.3, NM_015186.4); short protein forms V2362I, V2401I.
Identifiers: ClinVar variation 3373056 (VCV003373056.1).

ClinVar aggregate classification (germline): Uncertain significance (1 of 4 stars; one submission).

gnomAD v4.1: 3 of 1,613,108 alleles (0.00019%); highest among the groups gnomAD compares: Non-Finnish European, 0.00017%; no homozygotes.

Submission:

GeneDx
Classification: Uncertain significance. Last evaluated: 2024-04-25. Review status: criteria provided, single submitter. Criteria: GeneDx Variant Classification Process June 2021. Collection method: clinical testing. Allele origin: germline. Affected: yes.
Comment: Not observed at significant frequency in large population cohorts (gnomAD); In silico analysis indicates that this missense variant does not alter protein structure/function; Has not been previously published as pathogenic or benign to our knowledge